The following is an entry in ClinVar:

ClinVar aggregate classification (germline): Uncertain significance (1 of 4 stars; one submission).

Allele frequency attached by ClinVar (database versions not stated): gnomAD exomes below 0.00001.
gnomAD v4.1: 1 of 1,607,542 alleles (0.000062%); highest among the groups gnomAD compares: Non-Finnish European, 0.000085%; no homozygotes.

Submission:

Labcorp Genetics (formerly Invitae), Labcorp
Classification: Uncertain significance. Last evaluated: 2025-10-20. Review status: criteria provided, single submitter. Criteria: Invitae Variant Classification Sherloc (09022015). Collection method: clinical testing. Allele origin: germline.
Comment: This sequence change replaces threonine, which is neutral and polar, with alanine, which is neutral and non-polar, at codon 1541 of the CACNA1E protein (p.Thr1541Ala). This variant is not present in population databases (gnomAD no frequency). This variant has not been reported in the literature in individuals affected with CACNA1E-related conditions. ClinVar contains an entry for this variant (Variation ID: 2723625). Invitae Evidence Modeling of protein sequence and biophysical properties (such as structural, functional, and spatial information, amino acid conservation, physicochemical variation, residue mobility, and thermodynamic stability) has been performed for this missense variant. However, the output from this modeling did not meet the statistical confidence thresholds required to predict the impact of this variant on CACNA1E protein function. In summary, the available evidence is currently insufficient to determine the role of this variant in disease. Therefore, it has been classified as a Variant of Uncertain Significance.

NM_001205293.3(CACNA1E):c.4621A>G (p.Thr1541Ala)

Gene: CACNA1E (calcium voltage-gated channel subunit alpha1 E; plus strand). Cytogenetic location: 1q25.3.
Variant type: single nucleotide variant.
Coding change: c.4621A>G on transcript NM_001205293.3 (MANE Select); coding-DNA position 4621, A replaced by G.
Protein change: p.Thr1541Ala; replaces threonine 1541 with alanine.
Molecular consequence: missense variant.
Genome position (GRCh38, 1-based): chr1:181,762,589, A>G. VCF-style: chr1-181762589-A-G. GRCh37 (hg19) VCF-style: chr1-181731725-A-G.
Other names: c.4621A>G, p.Thr1541Ala (NM_000721.4); c.4564A>G, p.Thr1522Ala (NM_001205294.2); short protein forms T1541A, T1522A.
Identifiers: ClinVar variation 2723625 (VCV002723625.3), dbSNP rs2529032140, ClinGen allele CA343626056.